The following is an entry in ClinVar:

ClinVar aggregate classification (germline): Uncertain significance. Review status: criteria provided, multiple submitters, no conflicts (2 of 4 stars). 3 submissions from 3 submitters: Uncertain significance (3). Last evaluated 2025-05-27.

Conditions:
Hereditary cancer-predisposing syndrome. Also called: Tumor predisposition; Hereditary Cancer Syndrome; Hereditary neoplastic syndrome; Neoplastic Syndromes, Hereditary. Identifiers: Orphanet 140162, MedGen C0027672, MeSH D009386, MONDO:0015356.
POLD1-related polyposis and colorectal cancer syndrome (CRCS10). Also called: Colorectal cancer 10; COLORECTAL CANCER, SUSCEPTIBILITY TO, ON CHROMOSOME 19q; Colorectal cancer, susceptibility to, 10. Identifiers: Orphanet 220460, MedGen C2675481, MONDO:0012953, OMIM 612591.

Submissions (3):

Ambry Genetics
Classification: Uncertain significance for Hereditary cancer-predisposing syndrome. Last evaluated: 2025-05-27. Review status: criteria provided, single submitter. Criteria: Ambry Variant Classification Scheme 2023. Collection method: clinical testing. Allele origin: germline.
Comment: The p.P597S variant (also known as c.1789C>T), located in coding exon 14 of the POLD1 gene, results from a C to T substitution at nucleotide position 1789. The proline at codon 597 is replaced by serine, an amino acid with similar properties. This amino acid position is highly conserved in available vertebrate species. In addition, the in silico prediction for this alteration is inconclusive. Based on the available evidence, the clinical significance of this variant remains unclear.

Labcorp Genetics (formerly Invitae), Labcorp
Classification: Uncertain significance for POLD1-related polyposis and colorectal cancer syndrome. Last evaluated: 2021-08-13. Review status: criteria provided, single submitter. Criteria: Invitae Variant Classification Sherloc (09022015). Collection method: clinical testing. Allele origin: germline.
Comment: In summary, the available evidence is currently insufficient to determine the role of this variant in disease. Therefore, it has been classified as a Variant of Uncertain Significance. Algorithms developed to predict the effect of missense changes on protein structure and function (SIFT, PolyPhen-2, Align-GVGD) all suggest that this variant is likely to be disruptive, but these predictions have not been confirmed by published functional studies and their clinical significance is uncertain. This variant has not been reported in the literature in individuals with POLD1-related conditions. This variant is not present in population databases (ExAC no frequency). This sequence change replaces proline with serine at codon 597 of the POLD1 protein (p.Pro597Ser). The proline residue is highly conserved and there is a moderate physicochemical difference between proline and serine.

GeneDx
Classification: Uncertain significance. Last evaluated: 2021-01-22. Review status: criteria provided, single submitter. Criteria: GeneDx Variant Classification Process June 2021. Collection method: clinical testing. Allele origin: germline. Affected: yes.
Comment: Not observed in large population cohorts (Lek 2016); In silico analysis supports that this missense variant has a deleterious effect on protein structure/function; Has not been previously published as pathogenic or benign to our knowledge

NM_002691.4(POLD1):c.1789C>T (p.Pro597Ser)

Gene: POLD1 (DNA polymerase delta 1, catalytic subunit; plus strand). Cytogenetic location: 19q13.33.
Variant type: single nucleotide variant.
Coding change: c.1789C>T on transcript NM_002691.4 (MANE Select); coding-DNA position 1789, C replaced by T.
Protein change: p.Pro597Ser; replaces proline 597 with serine.
Molecular consequence: missense variant. On other transcripts: non-coding transcript variant (1).
Genome position (GRCh38, 1-based): chr19:50,408,798, C>T. VCF-style: chr19-50408798-C-T. GRCh37 (hg19) VCF-style: chr19-50912055-C-T.
Other names: c.1789C>T (NM_002691.2); c.1789C>T, p.Pro597Ser (NM_001256849.1); c.1867C>T, p.Pro623Ser (NM_001308632.1); short protein forms P623S, P597S.
Identifiers: ClinVar variation 853985 (VCV000853985.12), dbSNP rs2038989534, ClinGen allele CA406981955.